The following is an entry in ClinVar:

NM_006406.2(PRDX4):c.25G>A (p.Ala9Thr)

Gene: PRDX4 (peroxiredoxin 4; plus strand). Cytogenetic location: Xp22.11.
Variant type: single nucleotide variant.
Coding change: c.25G>A on transcript NM_006406.2 (MANE Select); coding-DNA position 25, G replaced by A.
Protein change: p.Ala9Thr; replaces alanine 9 with threonine.
Molecular consequence: missense variant.
Genome position (GRCh38, 1-based): chrX:23,667,595, G>A. VCF-style: chrX-23667595-G-A. GRCh37 (hg19) VCF-style: chrX-23685712-G-A.
Other names: short protein forms A9T.
Identifiers: ClinVar variation 4862490 (VCV004862490.1).

ClinVar aggregate classification (germline): Uncertain significance (1 of 4 stars; one submission).

gnomAD v4.1: 10 of 1,190,785 alleles (0.00084%); highest among the groups gnomAD compares: Non-Finnish European, 0.0009%; no homozygotes.

Submission:

Ambry Genetics
Classification: Uncertain significance. Last evaluated: 2026-04-14. Review status: criteria provided, single submitter. Criteria: Ambry Variant Classification Scheme 2023. Collection method: clinical testing. Allele origin: germline.
Comment: The c.25G>A (p.A9T) alteration is located in exon 1 (coding exon 1) of the PRDX4 gene. This alteration results from a G to A substitution at nucleotide position 25, causing the alanine (A) at amino acid position 9 to be replaced by a threonine (T). Based on data from gnomAD, the A allele has an overall frequency of 0.001% (1/137382) total alleles studied. The highest observed frequency was 0.002% (1/56092) of European (non-Finnish) alleles. Based on insufficient or conflicting evidence, the clinical significance of this alteration remains unclear.